The following is an entry in ClinVar:

ClinVar aggregate classification (germline): Uncertain significance (1 of 4 stars; one submission).

Conditions:
Hereditary cancer-predisposing syndrome. Also called: Tumor predisposition; Hereditary Cancer Syndrome; Neoplastic Syndromes, Hereditary; Hereditary neoplastic syndrome. Identifiers: Orphanet 140162, MedGen C0027672, MeSH D009386, MONDO:0015356.

Submission:

Ambry Genetics
Classification: Uncertain significance for Hereditary cancer-predisposing syndrome. Last evaluated: 2022-05-06. Review status: criteria provided, single submitter. Criteria: Ambry Variant Classification Scheme 2023. Collection method: clinical testing. Allele origin: germline.
Comment: The c.2728_2729delCCinsAT variant (also known as p.P910I), located in coding exon 23 of the TSC2 gene, results from an in-frame deletion of CC and insertion of AT at nucleotide positions 2728 to 2729. This results in the substitution of the proline residue for an isoleucine residue at codon 910, an amino acid with similar properties. This amino acid position is well conserved in available vertebrate species. In addition, the in silico prediction for this alteration is inconclusive (Choi Y et al. PLoS ONE. 2012; 7(10):e46688). Since supporting evidence is limited at this time, the clinical significance of this alteration remains unclear.

NM_000548.5(TSC2):c.2728_2729delinsAT (p.Pro910Ile)

Gene: TSC2 (TSC complex subunit 2; plus strand). Cytogenetic location: 16p13.3.
Variant type: Indel.
Coding change: c.2728_2729delinsAT on transcript NM_000548.5 (MANE Select); coding-DNA positions 2728 to 2729, CC replaced by AT.
Protein change: p.Pro910Ile; replaces proline 910 with isoleucine.
Molecular consequence: missense variant.
Genome position (GRCh38, 1-based): chr16:2,076,156-2,076,157, CC replaced by AT. VCF-style: chr16-2076156-CC-AT. GRCh37 (hg19) VCF-style: chr16-2126157-CC-AT.
Other names: c.2728_2729delinsAT, p.Pro910Ile (NM_001077183.3, NM_001114382.3, NM_001363528.2 and 3 more transcripts); c.2617_2618delinsAT, p.Pro873Ile (NM_001318827.2); c.2581_2582delinsAT, p.Pro861Ile (NM_001318829.2); c.2128_2129delinsAT, p.Pro710Ile (NM_001318831.2); c.2761_2762delinsAT, p.Pro921Ile (NM_001318832.2); c.2728_2729delCCinsAT, p.Pro910Ile (NM_001406663.1, NM_001406664.1, NM_001406665.1); c.2818_2819delCCinsAT, p.Pro940Ile (NM_001406667.1, NM_001406668.1); c.2617_2618delCCinsAT, p.Pro873Ile (NM_001406670.1, NM_001406678.1); and 7 more; short protein forms P861I, P906I, P940I, P756I, P873I, P921I, P462I, P910I.
Identifiers: ClinVar variation 1795250 (VCV001795250.2), dbSNP rs2543911760, ClinGen allele CA2580090869.